The following is an entry in ClinVar:

NM_000553.6(WRN):c.1324G>C (p.Glu442Gln)

Gene: WRN (WRN RecQ like helicase; plus strand). Cytogenetic location: 8p12.
Variant type: single nucleotide variant.
Coding change: c.1324G>C on transcript NM_000553.6 (MANE Select); coding-DNA position 1324, G replaced by C.
Protein change: p.Glu442Gln; replaces glutamic acid 442 with glutamine.
Molecular consequence: missense variant.
Genome position (GRCh38, 1-based): chr8:31,083,753, G>C. VCF-style: chr8-31083753-G-C. GRCh37 (hg19) VCF-style: chr8-30941269-G-C.
Other names: short protein forms E442Q.
Identifiers: ClinVar variation 948864 (VCV000948864.5), dbSNP rs147669987, ClinGen allele CA370922764.
Genomic context (GRCh38, chr8:31,083,753, plus strand): 5'-TTAAAGCATTTATCTCCCAATGATAATGAAAACGATACGTCCTATGTAATTGAGAGTGAT[G>C]AAGATTTAGAAATGGAGATGCTTAAGGTATGTTTACAATTATAAAAATATTACTTCAAGT-3'
Protein context (NP_000544.2, residues 432-452): NDTSYVIESD[Glu442Gln]DLEMEMLKHL

ClinVar aggregate classification (germline): Uncertain significance (1 of 4 stars; one submission).

Conditions:
Werner syndrome (WRN). Identifiers: Orphanet 902, MedGen C0043119, MONDO:0010196, OMIM 277700.

Submission:

Labcorp Genetics (formerly Invitae), Labcorp
Classification: Uncertain significance for Werner syndrome. Last evaluated: 2019-04-19. Review status: criteria provided, single submitter. Criteria: Invitae Variant Classification Sherloc (09022015). Collection method: clinical testing. Allele origin: germline.
Comment: In summary, the available evidence is currently insufficient to determine the role of this variant in disease. Therefore, it has been classified as a Variant of Uncertain Significance. Algorithms developed to predict the effect of missense changes on protein structure and function (SIFT, PolyPhen-2, Align-GVGD) all suggest that this variant is likely to be tolerated, but these predictions have not been confirmed by published functional studies and their clinical significance is uncertain. This variant has not been reported in the literature in individuals with WRN-related conditions. This variant is not present in population databases (ExAC no frequency). This sequence change replaces glutamic acid with glutamine at codon 442 of the WRN protein (p.Glu442Gln). The glutamic acid residue is moderately conserved and there is a small physicochemical difference between glutamic acid and glutamine.